The following is an entry in ClinVar:

NM_004360.5(CDH1):c.2233G>A (p.Glu745Lys)

Gene: CDH1 (cadherin 1; plus strand). Cytogenetic location: 16q22.1.
Variant type: single nucleotide variant.
Coding change: c.2233G>A on transcript NM_004360.5 (MANE Select); coding-DNA position 2233, G replaced by A.
Protein change: p.Glu745Lys; replaces glutamic acid 745 with lysine.
Molecular consequence: missense variant.
Genome position (GRCh38, 1-based): chr16:68,828,242, G>A. VCF-style: chr16-68828242-G-A. GRCh37 (hg19) VCF-style: chr16-68862145-G-A.
Other names: c.2050G>A, p.Glu684Lys (NM_001317184.2); c.685G>A, p.Glu229Lys (NM_001317185.2); c.268G>A, p.Glu90Lys (NM_001317186.2); short protein forms E684K, E745K, E229K, E90K.
Identifiers: ClinVar variation 820947 (VCV000820947.13), dbSNP rs1596970862, ClinGen allele CA396469734.
Genomic context (GRCh38, chr16:68,828,242, plus strand): 5'-CTGCTGCTCTTGCTGTTTCTTCGGAGGAGAGCGGTGGTCAAAGAGCCCTTACTGCCCCCA[G>A]AGGATGACACCCGGGACAACGTTTATTACTATGATGAAGAAGGAGGCGGAGAAGAGGACC-3'
Protein context (NP_004351.1, residues 735-755): AVVKEPLLPP[Glu745Lys]DDTRDNVYYY

ClinVar aggregate classification (germline): Uncertain significance. Review status: criteria provided, multiple submitters, no conflicts (2 of 4 stars). 2 submissions from 2 submitters: Uncertain significance (2). Last evaluated 2020-05-03.

Conditions:
Hereditary cancer-predisposing syndrome. Also called: Hereditary Cancer Syndrome; Neoplastic Syndromes, Hereditary; Hereditary neoplastic syndrome; Tumor predisposition. Identifiers: Orphanet 140162, MedGen C0027672, MeSH D009386, MONDO:0015356.
Hereditary diffuse gastric adenocarcinoma (HDGC). Also called: DIFFUSE GASTRIC AND LOBULAR BREAST CANCER SYNDROME. Identifiers: Orphanet 26106, MedGen C1708349, MONDO:0007648, OMIM 137215.

Submissions (2):

Labcorp Genetics (formerly Invitae), Labcorp
Classification: Uncertain significance for Hereditary diffuse gastric adenocarcinoma. Last evaluated: 2020-05-03. Review status: criteria provided, single submitter. Criteria: Invitae Variant Classification Sherloc (09022015). Collection method: clinical testing. Allele origin: germline.
Comment: This sequence change replaces glutamic acid with lysine at codon 745 of the CDH1 protein (p.Glu745Lys). The glutamic acid residue is moderately conserved and there is a small physicochemical difference between glutamic acid and lysine. This variant is not present in population databases (ExAC no frequency). This variant has not been reported in the literature in individuals with CDH1-related conditions. ClinVar contains an entry for this variant (Variation ID: 820947). Algorithms developed to predict the effect of missense changes on protein structure and function are either unavailable or do not agree on the potential impact of this missense change (SIFT: "Tolerated"; PolyPhen-2: "Probably Damaging"; Align-GVGD: "Class C0"). In summary, the available evidence is currently insufficient to determine the role of this variant in disease. Therefore, it has been classified as a Variant of Uncertain Significance.

Ambry Genetics
Classification: Uncertain significance for Hereditary cancer-predisposing syndrome. Last evaluated: 2019-05-13. Review status: criteria provided, single submitter. Criteria: Ambry Variant Classification Scheme 2023. Collection method: clinical testing. Allele origin: germline.
Comment: The p.E745K variant (also known as c.2233G>A), located in coding exon 14 of the CDH1 gene, results from a G to A substitution at nucleotide position 2233. The glutamic acid at codon 745 is replaced by lysine, an amino acid with similar properties. This alteration has been reported with a carrier frequency of 0 in 7051 unselected breast cancer patients and 1 in 11241 female controls of Japanese ancestry (Momozawa Y et al. Nat Commun, 2018 10;9:4083). This amino acid position is not well conserved in available vertebrate species. In addition, the in silico prediction for this alteration is inconclusive. Since supporting evidence is limited at this time, the clinical significance of this alteration remains unclear.

Literature cited by the submitters: PubMed 30287823 (cited by Ambry Genetics).